The following is an entry in ClinVar:

ClinVar aggregate classification (germline): Uncertain significance (1 of 4 stars; one submission).

Submission:

Greenwood Genetic Center Diagnostic Laboratories, Greenwood Genetic Center
Classification: Uncertain significance. Last evaluated: 2022-06-15. Review status: criteria provided, single submitter. Criteria: ACMG Guidelines, 2015. Collection method: clinical testing. Allele origin: germline. Affected: yes.
Comment: PM2 PP2

NM_001394062.1(MACF1):c.22078T>G (p.Ser7360Ala)

Gene: MACF1 (microtubule actin crosslinking factor 1; plus strand). Cytogenetic location: 1p34.3.
Variant type: single nucleotide variant.
Coding change: c.22078T>G on transcript NM_001394062.1 (MANE Select); coding-DNA position 22078, T replaced by G.
Protein change: p.Ser7360Ala; replaces serine 7360 with alanine.
Molecular consequence: missense variant.
Genome position (GRCh38, 1-based): chr1:39,479,917, T>G. VCF-style: chr1-39479917-T-G. GRCh37 (hg19) VCF-style: chr1-39945589-T-G.
Other names: c.10069T>G, p.Ser3357Ala (NM_001397473.1); c.15814T>G, p.Ser5272Ala (NM_012090.5); short protein forms S3357A, S5272A, S7360A.
Identifiers: ClinVar variation 1703111 (VCV001703111.3), dbSNP rs2523486209, ClinGen allele CA339781817.